The following is an entry in ClinVar:

NM_000426.4(LAMA2):c.1507G>A (p.Gly503Ser)

Gene: LAMA2 (laminin subunit alpha 2; plus strand). Cytogenetic location: 6q22.33.
Variant type: single nucleotide variant.
Coding change: c.1507G>A on transcript NM_000426.4 (MANE Select); coding-DNA position 1507, G replaced by A.
Protein change: p.Gly503Ser; replaces glycine 503 with serine.
Molecular consequence: missense variant.
Genome position (GRCh38, 1-based): chr6:129,190,244, G>A. VCF-style: chr6-129190244-G-A. GRCh37 (hg19) VCF-style: chr6-129511389-G-A.
Other names: c.1507G>A, p.Gly503Ser (NM_001079823.2); short protein forms G503S.
Identifiers: ClinVar variation 836295 (VCV000836295.6), dbSNP rs375232037, ClinGen allele CA3992640.

ClinVar aggregate classification (germline): Uncertain significance. Review status: criteria provided, multiple submitters, no conflicts (2 of 4 stars). 3 submissions from 3 submitters: Uncertain significance (3). Last evaluated 2024-07-05.

Conditions:
Inborn genetic diseases. Identifiers: MedGen C0950123, MeSH D030342.
LAMA2-related muscular dystrophy (LAMA2-RD). Also called: Laminin alpha 2-related dystrophy. Identifiers: MedGen C5679788, MONDO:0100228.

Allele frequency attached by ClinVar (database versions not stated): gnomAD exomes below 0.00001; ExAC 0.00001; gnomAD 0.00001; TOPMed 0.00001; ESP Exome Variant Server 0.00015.
gnomAD v4.1: 7 of 1,613,540 alleles (0.00043%); highest among the groups gnomAD compares: African/African-American, 0.0053%; no homozygotes.

Submissions (3):

Ambry Genetics
Classification: Uncertain significance for Inborn genetic diseases. Last evaluated: 2024-07-05. Review status: criteria provided, single submitter. Criteria: Ambry Variant Classification Scheme 2023. Collection method: clinical testing. Allele origin: germline.

Blueprint Genetics
Classification: Uncertain significance. Last evaluated: 2023-06-15. Review status: criteria provided, single submitter. Criteria: ACMG Guidelines, 2015. Collection method: clinical testing. Allele origin: germline.

Labcorp Genetics (formerly Invitae), Labcorp
Classification: Uncertain significance for LAMA2-related muscular dystrophy. Last evaluated: 2021-08-31. Review status: criteria provided, single submitter. Criteria: Invitae Variant Classification Sherloc (09022015). Collection method: clinical testing. Allele origin: germline.
Comment: This sequence change replaces glycine with serine at codon 503 of the LAMA2 protein (p.Gly503Ser). The glycine residue is moderately conserved and there is a small physicochemical difference between glycine and serine. This variant is present in population databases (rs375232037, ExAC 0.001%). This variant has not been reported in the literature in individuals affected with LAMA2-related conditions. Algorithms developed to predict the effect of missense changes on protein structure and function are either unavailable or do not agree on the potential impact of this missense change (SIFT: "Deleterious"; PolyPhen-2: "Possibly Damaging"; Align-GVGD: "Class C0"). Algorithms developed to predict the effect of sequence changes on RNA splicing suggest that this variant may create or strengthen a splice site. In summary, the available evidence is currently insufficient to determine the role of this variant in disease. Therefore, it has been classified as a Variant of Uncertain Significance.